The following is an entry in ClinVar:

ClinVar aggregate classification (germline): Likely benign (1 of 4 stars; one submission).

Allele frequency attached by ClinVar (database versions not stated): gnomAD exomes 0.00020; ExAC 0.00078; ESP Exome Variant Server 0.00126; 1000 Genomes Project 0.00140; 1000 Genomes Project 30x 0.00141; gnomAD 0.00202; TOPMed 0.00233.
gnomAD v4.1: 614 of 1,538,332 alleles (0.04%); highest among the groups gnomAD compares: African/African-American, 0.72%; 8 homozygotes.

Submission:

CeGaT Center for Human Genetics Tuebingen
Classification: Likely benign. Last evaluated: 2023-02-01. Review status: criteria provided, single submitter. Criteria: CeGaT Center For Human Genetics Tuebingen Variant Classification Criteria Version 2. Collection method: clinical testing. Allele origin: germline. Affected: yes. Observed: 1 variant allele.
Comment: WWC1: BP4, BS2

NM_015238.3(WWC1):c.-6G>A

Genes: WWC1 (WW and C2 domain containing 1; plus strand), LOC129995211 (ATAC-STARR-seq lymphoblastoid silent region 16595; plus strand). Cytogenetic location: 5q34.
Variant type: single nucleotide variant.
Coding change: c.-6G>A on transcript NM_015238.3 (MANE Select); 6 bases upstream of the start codon, G replaced by A.
Molecular consequence: 5 prime UTR variant.
Genome position (GRCh38, 1-based): chr5:168,292,147, G>A. VCF-style: chr5-168292147-G-A. GRCh37 (hg19) VCF-style: chr5-167719152-G-A.
Other names: c.-6G>A (NM_001161661.2, NM_001161662.2).
Identifiers: ClinVar variation 2656034 (VCV002656034.24), dbSNP rs375703595, ClinGen allele CA3548344.